The following is an entry in ClinVar:

NM_000077.5(CDKN2A):c.10G>A (p.Ala4Thr)

Genes: CDKN2A (cyclin dependent kinase inhibitor 2A; minus strand), LOC130001603 (ATAC-STARR-seq lymphoblastoid silent region 19811; plus strand). Cytogenetic location: 9p21.3.
Variant type: single nucleotide variant.
Coding change: c.10G>A on transcript NM_000077.5; coding-DNA position 10, G replaced by A.
Protein change: p.Ala4Thr; replaces alanine 4 with threonine.
Molecular consequence: missense variant (on NM_000077.6). On other transcripts: intron variant (2).
Genome position (GRCh38, 1-based): chr9:21,974,818, C>T on the plus strand (G>A on the coding strand, the complement: CDKN2A is on the minus strand). VCF-style: chr9-21974818-C-T. GRCh37 (hg19) VCF-style: chr9-21974817-C-T.
Other names: c.10G>A, p.Ala4Thr (NM_000077.6, NM_001195132.2, NM_058197.5); c.-3-3610G>A (NM_001363763.2); c.194-3610G>A (NM_058195.4); short protein forms A4T.
Identifiers: ClinVar variation 1500852 (VCV001500852.8), dbSNP rs2131114193, ClinGen allele CA373086728.

ClinVar aggregate classification (germline): Uncertain significance (1 of 4 stars; one submission).

Conditions:
Familial melanoma. Also called: Hereditary melanoma; Hereditary cutaneous melanoma. Identifiers: Orphanet 618, MedGen C1512419, MONDO:0018961.

Submission:

Labcorp Genetics (formerly Invitae), Labcorp
Classification: Uncertain significance for Familial melanoma. Last evaluated: 2021-03-29. Review status: criteria provided, single submitter. Criteria: Invitae Variant Classification Sherloc (09022015). Collection method: clinical testing. Allele origin: germline.
Comment: In summary, the available evidence is currently insufficient to determine the role of this variant in disease. Therefore, it has been classified as a Variant of Uncertain Significance. Algorithms developed to predict the effect of missense changes on protein structure and function (SIFT, PolyPhen-2, Align-GVGD) all suggest that this variant is likely to be tolerated, but these predictions have not been confirmed by published functional studies and their clinical significance is uncertain. This variant has been observed in individual(s) with melanoma (PMID:28830827, 21462282). This variant is not present in population databases (ExAC no frequency). This sequence change replaces alanine with threonine at codon 4 of the CDKN2A (p16INK4a) protein (p.Ala4Thr). The alanine residue is weakly conserved and there is a small physicochemical difference between alanine and threonine.

Literature cited by the submitters: PubMed 28830827; PubMed 21462282.